The following is an entry in ClinVar:

ClinVar aggregate classification (germline): Likely benign (1 of 4 stars; one submission).

Allele frequency attached by ClinVar (database versions not stated): ExAC 0.00005; gnomAD 0.00005; 1000 Genomes Project 30x 0.00016; 1000 Genomes Project 0.00020.
gnomAD v4.1: 48 of 1,612,672 alleles (0.003%); highest among the groups gnomAD compares: South Asian, 0.047%; 1 homozygote.

Submission:

CeGaT Center for Human Genetics Tuebingen
Classification: Likely benign. Last evaluated: 2023-06-01. Review status: criteria provided, single submitter. Criteria: CeGaT Center For Human Genetics Tuebingen Variant Classification Criteria Version 2. Collection method: clinical testing. Allele origin: germline. Affected: yes. Observed: 1 variant allele.
Comment: CDH15: BP4, BP7

NM_004933.3(CDH15):c.324C>G (p.Ala108=)

Gene: CDH15 (cadherin 15; plus strand). Cytogenetic location: 16q24.3.
Variant type: single nucleotide variant.
Coding change: c.324C>G on transcript NM_004933.3 (MANE Select); coding-DNA position 324, C replaced by G.
Protein change: p.Ala108=; no amino-acid change (alanine 108 retained).
Molecular consequence: synonymous variant.
Genome position (GRCh38, 1-based): chr16:89,180,322, C>G. VCF-style: chr16-89180322-C-G. GRCh37 (hg19) VCF-style: chr16-89246730-C-G.
Identifiers: ClinVar variation 2647022 (VCV002647022.24), dbSNP rs543467772, ClinGen allele CA8238776.